The following is an entry in ClinVar:

NM_001377229.1(DISP1):c.3872G>T (p.Gly1291Val)

Gene: DISP1 (dispatched RND transporter family member 1; plus strand). Cytogenetic location: 1q41.
Variant type: single nucleotide variant.
Coding change: c.3872G>T on transcript NM_001377229.1 (MANE Select); coding-DNA position 3872, G replaced by T.
Protein change: p.Gly1291Val; replaces glycine 1291 with valine.
Molecular consequence: missense variant.
Genome position (GRCh38, 1-based): chr1:223,005,269, G>T. VCF-style: chr1-223005269-G-T. GRCh37 (hg19) VCF-style: chr1-223178611-G-T.
Other names: c.3143G>T, p.Gly1048Val (NM_001350630.2); c.3872G>T, p.Gly1291Val (NM_001369594.1, NM_001377228.1, NM_032890.5); short protein forms G1048V, G1291V.
Identifiers: ClinVar variation 4722163 (VCV004722163.1).

ClinVar aggregate classification (germline): Uncertain significance (1 of 4 stars; one submission).

Submission:

Labcorp Genetics (formerly Invitae), Labcorp
Classification: Uncertain significance. Last evaluated: 2025-12-30. Review status: criteria provided, single submitter. Criteria: Invitae Variant Classification Sherloc (09022015). Collection method: clinical testing. Allele origin: germline.
Comment: This sequence change replaces glycine, which is neutral and non-polar, with valine, which is neutral and non-polar, at codon 1291 of the DISP1 protein (p.Gly1291Val). This variant is not present in population databases (gnomAD no frequency). This variant has not been reported in the literature in individuals affected with DISP1-related conditions. An algorithm developed to predict the effect of missense changes on protein structure and function (PolyPhen-2) suggests that this variant is likely to be tolerated. In summary, the available evidence is currently insufficient to determine the role of this variant in disease. Therefore, it has been classified as a Variant of Uncertain Significance.